The following is an entry in ClinVar:

NM_017654.4(SAMD9):c.2125G>T (p.Asp709Tyr)

Gene: SAMD9 (sterile alpha motif domain containing 9; minus strand). Cytogenetic location: 7q21.2.
Variant type: single nucleotide variant.
Coding change: c.2125G>T on transcript NM_017654.4 (MANE Select); coding-DNA position 2125, G replaced by T.
Protein change: p.Asp709Tyr; replaces aspartic acid 709 with tyrosine.
Molecular consequence: missense variant.
Genome position (GRCh38, 1-based): chr7:93,103,973, C>A on the plus strand (G>T on the coding strand, the complement: SAMD9 is on the minus strand). VCF-style: chr7-93103973-C-A. GRCh37 (hg19) VCF-style: chr7-92733286-C-A.
Other names: c.2125G>T, p.Asp709Tyr (NM_001193307.2); c.2125G>T (NM_017654.3); short protein forms D709Y.
Identifiers: ClinVar variation 2880811 (VCV002880811.4), dbSNP rs1293592983, ClinGen allele CA368192944.

ClinVar aggregate classification (germline): Uncertain significance. Review status: criteria provided, multiple submitters, no conflicts (2 of 4 stars). 2 submissions from 2 submitters: Uncertain significance (2). Last evaluated 2024-12-16.

Conditions:
Inborn genetic diseases. Identifiers: MedGen C0950123, MeSH D030342.

gnomAD v4.1: 9 of 1,613,466 alleles (0.00056%); highest among the groups gnomAD compares: Admixed American, 0.0017%; no homozygotes.

Submissions (2):

Ambry Genetics
Classification: Uncertain significance for Inborn genetic diseases. Last evaluated: 2024-12-16. Review status: criteria provided, single submitter. Criteria: Ambry Variant Classification Scheme 2023. Collection method: clinical testing. Allele origin: germline.
Comment: The p.D709Y variant (also known as c.2125G>T), located in coding exon 1 of the SAMD9 gene, results from a G to T substitution at nucleotide position 2125. The aspartic acid at codon 709 is replaced by tyrosine, an amino acid with highly dissimilar properties. This amino acid position is conserved. In addition, the in silico prediction for this alteration is inconclusive. Based on the available evidence, the clinical significance of this variant remains unclear.

Labcorp Genetics (formerly Invitae), Labcorp
Classification: Uncertain significance. Last evaluated: 2023-11-17. Review status: criteria provided, single submitter. Criteria: Invitae Variant Classification Sherloc (09022015). Collection method: clinical testing. Allele origin: germline.
Comment: This sequence change replaces aspartic acid, which is acidic and polar, with tyrosine, which is neutral and polar, at codon 709 of the SAMD9 protein (p.Asp709Tyr). This variant is not present in population databases (gnomAD no frequency). This variant has not been reported in the literature in individuals affected with SAMD9-related conditions. Advanced modeling of protein sequence and biophysical properties (such as structural, functional, and spatial information, amino acid conservation, physicochemical variation, residue mobility, and thermodynamic stability) has been performed at Invitae for this missense variant, however the output from this modeling did not meet the statistical confidence thresholds required to predict the impact of this variant on SAMD9 protein function. In summary, the available evidence is currently insufficient to determine the role of this variant in disease. Therefore, it has been classified as a Variant of Uncertain Significance.